The following is an entry in ClinVar:

NM_133259.4(LRPPRC):c.1736-7T>G

Gene: LRPPRC (leucine rich pentatricopeptide repeat containing; minus strand). Cytogenetic location: 2p21.
Variant type: single nucleotide variant.
Coding change: c.1736-7T>G on transcript NM_133259.4 (MANE Select); 7 bases into the intron before coding-DNA position 1736, T replaced by G.
Molecular consequence: intron variant.
Genome position (GRCh38, 1-based): chr2:43,948,525, A>C on the plus strand (T>G on the coding strand, the complement: LRPPRC is on the minus strand). VCF-style: chr2-43948525-A-C. GRCh37 (hg19) VCF-style: chr2-44175664-A-C.
Other names: c.1736-7T>G (NM_133259.3).
Identifiers: ClinVar variation 2071910 (VCV002071910.7), dbSNP rs568212653, ClinGen allele CA1638762.

ClinVar aggregate classification (germline): Conflicting classifications of pathogenicity. Review status: criteria provided, conflicting classifications (1 of 4 stars). 3 submissions from 3 submitters: Uncertain significance (1); Likely benign (1). 1 of the submissions does not count toward it. Last evaluated 2025-12-22.

Conditions:
LRPPRC-related disorder. Also called: LRPPRC-related condition.

Allele frequency attached by ClinVar (database versions not stated): ExAC 0.00004; gnomAD 0.00014; TOPMed 0.00017; 1000 Genomes Project 0.00020; 1000 Genomes Project 30x 0.00031.
gnomAD v4.1: 124 of 1,411,560 alleles (0.0088%); highest among the groups gnomAD compares: Admixed American, 0.025%; 1 homozygote.

Submissions (3):

Labcorp Genetics (formerly Invitae), Labcorp
Classification: Likely benign. Last evaluated: 2025-12-22. Review status: criteria provided, single submitter. Criteria: Invitae Variant Classification Sherloc (09022015). Collection method: clinical testing. Allele origin: germline.

Blueprint Genetics
Classification: Uncertain significance. Last evaluated: 2024-03-05. Review status: criteria provided, single submitter. Criteria: ACMG Guidelines, 2015. Collection method: clinical testing. Allele origin: germline.

PreventionGenetics, part of Exact Sciences
Classification: Likely benign for LRPPRC-related condition. Last evaluated: 2020-03-23. Review status: no assertion criteria provided. Collection method: clinical testing. Allele origin: germline. Not counted in ClinVar's aggregate classification.
Comment: This variant is classified as likely benign based on ACMG/AMP sequence variant interpretation guidelines (Richards et al. 2015 PMID: 25741868, with internal and published modifications).